The following is an entry in ClinVar:

ClinVar aggregate classification (germline): Pathogenic (1 of 4 stars; one submission).

Submission:

Labcorp Genetics (formerly Invitae), Labcorp
Classification: Pathogenic. Last evaluated: 2023-02-25. Review status: criteria provided, single submitter. Criteria: Invitae Variant Classification Sherloc (09022015). Collection method: clinical testing. Allele origin: germline.
Comment: This variant is a gross deletion of the genomic region encompassing exon(s) 12-20 of the HPS1 gene, which includes the termination codon. This deletion extends beyond the assayed region for this gene and therefore may encompass additional genes. While this deletion is not anticipated to lead to nonsense mediated decay, it is expected to alter mRNA translation or result in a truncated protein product. This variant has not been reported in the literature in individuals affected with HPS1-related conditions. This variant disrupts a region of the HPS1 protein in which other variant(s) (p.Val630Argfs*49) have been determined to be pathogenic (Invitae). This suggests that this is a clinically significant region of the protein, and that variants that disrupt it are likely to be disease-causing. For these reasons, this variant has been classified as Pathogenic.

NC_000010.10:g.(?_100177321)_(100185762_?)del

Gene: HPS1 (HPS1 biogenesis of lysosomal organelles complex 3 subunit 1; minus strand). Cytogenetic location: 10q24.2.
Variant type: Deletion.
Identifiers: ClinVar variation 1460353 (VCV001460353.6).